The following is an entry in ClinVar:

ClinVar aggregate classification (germline): Uncertain significance. Review status: criteria provided, multiple submitters, no conflicts (2 of 4 stars). 2 submissions from 2 submitters: Uncertain significance (2). Last evaluated 2025-05-28.

Conditions:
Inborn genetic diseases. Identifiers: MedGen C0950123, MeSH D030342.
Autosomal recessive limb-girdle muscular dystrophy type 2P. Also called: Limb-Girdle Muscular Dystrophy Type 9C; MUSCULAR DYSTROPHY, LIMB-GIRDLE, TYPE 2P; MUSCULAR DYSTROPHY-DYSTROGLYCANOPATHY, LIMB-GIRDLE, DAG1-RELATED. Identifiers: Orphanet 280333, MedGen C4511963, MONDO:0013440, OMIM 613818.
Muscular dystrophy-dystroglycanopathy (congenital with brain and eye anomalies), type A9. Also called: Muscular dystrophy-dystroglycanopathy (congenital with brain and eye anomalies), type a, 9; WALKER-WARBURG SYNDROME OR MUSCLE-EYE BRAIN DISEASE, DAG1-RELATED. Identifiers: Orphanet 370997, Orphanet 899, MedGen C4225291, MONDO:0014683, OMIM 616538.

Allele frequency attached by ClinVar (database versions not stated): gnomAD 0.00008 and 0.00007; TOPMed 0.00009; ExAC 0.00001; gnomAD exomes 0.00002; ESP Exome Variant Server 0.00008.
gnomAD v4.1: 21 of 1,614,076 alleles (0.0013%); highest among the groups gnomAD compares: African/African-American, 0.028%; no homozygotes.

Submissions (2):

Ambry Genetics
Classification: Uncertain significance for Inborn genetic diseases. Last evaluated: 2025-05-28. Review status: criteria provided, single submitter. Criteria: Ambry Variant Classification Scheme 2023. Collection method: clinical testing. Allele origin: germline.

Labcorp Genetics (formerly Invitae), Labcorp
Classification: Uncertain significance for Autosomal recessive limb-girdle muscular dystrophy type 2P; Muscular dystrophy-dystroglycanopathy (congenital with brain and eye anomalies), type A9. Last evaluated: 2022-04-18. Review status: criteria provided, single submitter. Criteria: Invitae Variant Classification Sherloc (09022015). Collection method: clinical testing. Allele origin: germline.
Comment: This sequence change replaces proline, which is neutral and non-polar, with leucine, which is neutral and non-polar, at codon 272 of the DAG1 protein (p.Pro272Leu). This variant is present in population databases (rs371509534, gnomAD 0.03%). This variant has not been reported in the literature in individuals affected with DAG1-related conditions. ClinVar contains an entry for this variant (Variation ID: 934504). Algorithms developed to predict the effect of missense changes on protein structure and function are either unavailable or do not agree on the potential impact of this missense change (SIFT: "Deleterious"; PolyPhen-2: "Probably Damaging"; Align-GVGD: "Class C0"). In summary, the available evidence is currently insufficient to determine the role of this variant in disease. Therefore, it has been classified as a Variant of Uncertain Significance.

NM_004393.6(DAG1):c.815C>T (p.Pro272Leu)

Gene: DAG1 (dystroglycan 1; plus strand). Cytogenetic location: 3p21.31.
Variant type: single nucleotide variant.
Coding change: c.815C>T on transcript NM_004393.6 (MANE Select); coding-DNA position 815, C replaced by T.
Protein change: p.Pro272Leu; replaces proline 272 with leucine.
Molecular consequence: missense variant.
Genome position (GRCh38, 1-based): chr3:49,531,326, C>T. VCF-style: chr3-49531326-C-T. GRCh37 (hg19) VCF-style: chr3-49568759-C-T.
Other names: c.815C>T, p.Pro272Leu (NM_001165928.4, NM_001177634.3, NM_001177635.3 and 9 more transcripts); c.815C>T (NM_004393.4); short protein forms P272L.
Identifiers: ClinVar variation 934504 (VCV000934504.8), dbSNP rs371509534, ClinGen allele CA2398965.